The following is an entry in ClinVar:

NM_000214.3(JAG1):c.877T>G (p.Cys293Gly)

Gene: JAG1 (jagged canonical Notch ligand 1; minus strand). Cytogenetic location: 20p12.2.
Variant type: single nucleotide variant.
Coding change: c.877T>G on transcript NM_000214.3 (MANE Select); coding-DNA position 877, T replaced by G.
Protein change: p.Cys293Gly; replaces cysteine 293 with glycine.
Molecular consequence: missense variant.
Genome position (GRCh38, 1-based): chr20:10,652,477, A>C on the plus strand (T>G on the coding strand, the complement: JAG1 is on the minus strand). VCF-style: chr20-10652477-A-C. GRCh37 (hg19) VCF-style: chr20-10633125-A-C.
Other names: short protein forms C293G.
Identifiers: ClinVar variation 3573392 (VCV003573392.2).
Genomic context (GRCh38, chr20:10,652,477, plus strand): 5'-TGCCATCCCACCCCCAGATCCCACCCTGGGTCTCATCCCTAAGGGCCATACCTTTGTCAC[A>C]GAGCTGGCCGCCCCAGTTGGTCTCACAGAGGCACTGCCAGGGCTCATTACAGATGCCGTG-3'
Protein context (NP_000205.1, residues 283-303): LCETNWGGQL[Cys293Gly]DKDLNYCGTH

Conditions:
Arteriohepatic dysplasia. Also called: Alagille Syndrome. Identifiers: Orphanet 52, MedGen C0085280, MeSH D016738, MONDO:0007318.

Submission:

Gilbert/Spinner Lab, Children's Hospital of Philadelphia
No classification provided (evidence only). Condition: Alagille syndrome. Review status: no classification provided. Collection method: research. Allele origin: not applicable. Functional consequence: functionally_abnormal.
ClinVar note: "not provided" was previously submitted as the classification for the variant. However, the classification appeared to be based only on an observation of functional data so it was converted to no classification on 2025-07-30.